The following is an entry in ClinVar:

ClinVar aggregate classification (germline): Uncertain significance. Review status: criteria provided, multiple submitters, no conflicts (2 of 4 stars). 2 submissions from 2 submitters: Uncertain significance (2). Last evaluated 2025-02-13.

Submissions (2):

Ambry Genetics
Classification: Uncertain significance. Last evaluated: 2025-02-13. Review status: criteria provided, single submitter. Criteria: Ambry Variant Classification Scheme 2023. Collection method: clinical testing. Allele origin: germline.

CeGaT Center for Human Genetics Tuebingen
Classification: Uncertain significance. Last evaluated: 2022-07-01. Review status: criteria provided, single submitter. Criteria: CeGaT Center For Human Genetics Tuebingen Variant Classification Criteria Version 2. Collection method: clinical testing. Allele origin: germline. Affected: yes. Observed: 1 variant allele.
Comment: SYNE2: PM2, BP4

NM_182914.3(SYNE2):c.1923T>G (p.Asp641Glu)

Gene: SYNE2 (spectrin repeat containing nuclear envelope protein 2; plus strand). Cytogenetic location: 14q23.2.
Variant type: single nucleotide variant.
Coding change: c.1923T>G on transcript NM_182914.3 (MANE Select); coding-DNA position 1923, T replaced by G.
Protein change: p.Asp641Glu; replaces aspartic acid 641 with glutamic acid.
Molecular consequence: missense variant.
Genome position (GRCh38, 1-based): chr14:63,982,716, T>G. VCF-style: chr14-63982716-T-G. GRCh37 (hg19) VCF-style: chr14-64449434-T-G.
Other names: c.1923T>G (NM_182914.2); c.1923T>G, p.Asp641Glu (NM_015180.6); short protein forms D641E.
Identifiers: ClinVar variation 2644280 (VCV002644280.25), dbSNP rs2550878448, ClinGen allele CA389963272.